The following is an entry in ClinVar:

NM_000617.3(SLC11A2):c.832-3T>C

Gene: SLC11A2 (solute carrier family 11 member 2; minus strand). Cytogenetic location: 12q13.12.
Variant type: single nucleotide variant.
Coding change: c.832-3T>C on transcript NM_000617.3 (MANE Select); 3 bases into the intron before coding-DNA position 832, T replaced by C.
Molecular consequence: intron variant.
Genome position (GRCh38, 1-based): chr12:50,995,790, A>G on the plus strand (T>C on the coding strand, the complement: SLC11A2 is on the minus strand). VCF-style: chr12-50995790-A-G. GRCh37 (hg19) VCF-style: chr12-51389573-A-G.
Other names: c.919-3T>C (NM_001379446.1, NM_001379455.1, NM_001174125.2); c.721-3T>C (NM_001414747.1, NM_001414748.1); c.832-3T>C (NM_001174127.2, NM_001414744.1, NM_001174126.2 and 5 more transcripts); c.820-3T>C (NM_001379448.1, NM_001174130.2); c.595-3T>C (NM_001414749.1, NM_001414750.1).
Identifiers: ClinVar variation 882846 (VCV000882846.11), dbSNP rs201248826, ClinGen allele CA6566645.

ClinVar aggregate classification (germline): Benign/Likely benign. Review status: criteria provided, multiple submitters, no conflicts (2 of 4 stars). 5 submissions from 5 submitters: Benign (1); Likely benign (3). 1 of the submissions does not count toward it. Last evaluated 2025-12-03.

Conditions:
SLC11A2-related disorder. Also called: SLC11A2-related condition.
Microcytic anemia with liver iron overload. Also called: Anemia, hypochromic microcytic, with iron overload 1. Identifiers: Orphanet 83642, MedGen C3806153, MONDO:0008787, OMIM 206100.

Allele frequency attached by ClinVar (database versions not stated): 1000 Genomes Project 30x 0.00031; 1000 Genomes Project 0.00040; gnomAD 0.00178 and 0.00193; TOPMed 0.00178; gnomAD exomes 0.00216 and 0.00268; ESP Exome Variant Server 0.00254; ExAC 0.00268.
gnomAD v4.1: 4,141 of 1,613,956 alleles (0.26%); highest among the groups gnomAD compares: Non-Finnish European, 0.32%; 10 homozygotes.

Submissions (5):

Labcorp Genetics (formerly Invitae), Labcorp
Classification: Benign. Last evaluated: 2025-12-03. Review status: criteria provided, single submitter. Criteria: Invitae Variant Classification Sherloc (09022015). Collection method: clinical testing. Allele origin: germline.

Blueprint Genetics
Classification: Likely benign. Last evaluated: 2024-11-15. Review status: criteria provided, single submitter. Criteria: ACMG Guidelines, 2015. Collection method: clinical testing. Allele origin: germline.

Illumina Laboratory Services, Illumina
Classification: Likely benign for Microcytic anemia with liver iron overload. Last evaluated: 2018-01-13. Review status: criteria provided, single submitter. Criteria: ICSL Variant Classification Criteria 13 December 2019. Collection method: clinical testing. Allele origin: germline.
Comment: This variant was observed in the ICSL laboratory as part of a predisposition screen in an ostensibly healthy population. It had not been previously curated by ICSL or reported in the Human Gene Mutation Database (HGMD: prior to June 1st, 2018), and was therefore a candidate for classification through an automated scoring system. Utilizing variant allele frequency, disease prevalence and penetrance estimates, and inheritance mode, an automated score was calculated to assess if this variant is too frequent to cause the disease. Based on the score and internal cut-off values, a variant classified as likely benign is not then subjected to further curation. The score for this variant resulted in a classification of likely benign for this disease.

Breakthrough Genomics
Classification: Likely benign. Review status: criteria provided, single submitter. Criteria: ACMG Guidelines, 2015. Collection method: not provided. Allele origin: germline. Inheritance: Autosomal recessive inheritance. Affected: yes.

PreventionGenetics, part of Exact Sciences
Classification: Likely benign for SLC11A2-related condition. Last evaluated: 2020-03-04. Review status: no assertion criteria provided. Collection method: clinical testing. Allele origin: germline. Not counted in ClinVar's aggregate classification.
Comment: This variant is classified as likely benign based on ACMG/AMP sequence variant interpretation guidelines (Richards et al. 2015 PMID: 25741868, with internal and published modifications).